The following is an entry in ClinVar:

NM_000232.5(SGCB):c.85dup (p.Arg29fs)

Gene: SGCB (sarcoglycan beta; minus strand). Cytogenetic location: 4q12.
Variant type: Duplication.
Coding change: c.85dup on transcript NM_000232.5 (MANE Select); coding-DNA position 85, one base duplicated (A; older notation c.85dupA).
Protein change: p.Arg29fs; shifts the reading frame from arginine 29.
Molecular consequence: frameshift variant.
Genome position (GRCh38, 1-based): chr4:52,033,589, T duplicated on the plus strand (A on the coding strand, the reverse complement: SGCB is on the minus strand). VCF-style (leftmost placement, unchanged base first): chr4-52033588-C-CT. GRCh37 (hg19) VCF-style: chr4-52899754-C-CT.
Other names: short protein forms R29fs.
Identifiers: ClinVar variation 1414584 (VCV001414584.6), dbSNP rs2109376054, ClinGen allele CA2573137901.

ClinVar aggregate classification (germline): Pathogenic (1 of 4 stars; one submission).

Conditions:
Autosomal recessive limb-girdle muscular dystrophy type 2E (LGMDR4). Also called: MUSCULAR DYSTROPHY, LIMB-GIRDLE, AUTOSOMAL RECESSIVE 4. Identifiers: Orphanet 119, MedGen C1858593, MONDO:0011423, OMIM 604286. Disease mechanism: Affects gamma-sarcoglycan and also disrupts the integrity of the entire sarcoglycan complex..

Submission:

Labcorp Genetics (formerly Invitae), Labcorp
Classification: Pathogenic for Autosomal recessive limb-girdle muscular dystrophy type 2E. Last evaluated: 2021-06-11. Review status: criteria provided, single submitter. Criteria: Invitae Variant Classification Sherloc (09022015). Collection method: clinical testing. Allele origin: germline.
Comment: This sequence change creates a premature translational stop signal (p.Arg29Lysfs*6) in the SGCB gene. It is expected to result in an absent or disrupted protein product. Loss-of-function variants in SGCB are known to be pathogenic (PMID: 15938573, 18285821). This variant is not present in population databases (ExAC no frequency). This variant has not been reported in the literature in individuals with SGCB-related conditions. For these reasons, this variant has been classified as Pathogenic.

Literature cited by the submitters: PubMed 15938573; PubMed 18285821.